The following is an entry in ClinVar:

ClinVar aggregate classification (germline): Benign/Likely benign. Review status: criteria provided, multiple submitters, no conflicts (2 of 4 stars). 4 submissions from 4 submitters: Benign (2); Likely benign (2). Last evaluated 2026-08-01.

Allele frequency attached by ClinVar (database versions not stated): 1000 Genomes Project 0.00060; 1000 Genomes Project 30x 0.00062; ESP Exome Variant Server 0.00095; TOPMed 0.00144; gnomAD exomes 0.00204 and 0.00267; gnomAD 0.00224 and 0.00232; ExAC 0.00313.
gnomAD v4.1: 3,225 of 1,560,526 alleles (0.21%); highest among the groups gnomAD compares: Non-Finnish European, 0.18%; 11 homozygotes.

Submissions (4):

CeGaT Center for Human Genetics Tuebingen
Classification: Likely benign. Last evaluated: 2026-08-01. Review status: criteria provided, single submitter. Criteria: CeGaT Center For Human Genetics Tuebingen Variant Classification Criteria Version 2. Collection method: clinical testing. Allele origin: germline. Affected: yes. Observed: 6 variant alleles.
Comment: PRKAR1B: BP4, BP7

Mayo Clinic Laboratories, Mayo Clinic
Classification: Benign. Last evaluated: 2024-12-13. Review status: criteria provided, single submitter. Criteria: ACMG Guidelines, 2015. Collection method: clinical testing. Allele origin: germline. Observed: 4 variant alleles.
Comment: BA1, BS2, BP4, BP7

Blueprint Genetics
Classification: Likely benign. Last evaluated: 2024-11-21. Review status: criteria provided, single submitter. Criteria: ACMG Guidelines, 2015. Collection method: clinical testing. Allele origin: germline.

Labcorp Genetics (formerly Invitae), Labcorp
Classification: Benign. Last evaluated: 2019-12-31. Review status: criteria provided, single submitter. Criteria: Invitae Variant Classification Sherloc (09022015). Collection method: clinical testing. Allele origin: germline.

NM_001164760.2(PRKAR1B):c.933G>A (p.Glu311=)

Gene: PRKAR1B (protein kinase cAMP-dependent type I regulatory subunit beta; minus strand). Cytogenetic location: 7p22.3.
Variant type: single nucleotide variant.
Coding change: c.933G>A on transcript NM_001164760.2 (MANE Select); coding-DNA position 933, G replaced by A.
Protein change: p.Glu311=; no amino-acid change (glutamic acid 311 retained).
Molecular consequence: synonymous variant.
Genome position (GRCh38, 1-based): chr7:551,429, C>T on the plus strand (G>A on the coding strand, the complement: PRKAR1B is on the minus strand). VCF-style: chr7-551429-C-T. GRCh37 (hg19) VCF-style: chr7-591066-C-T.
Other names: p.Glu311=; c.933G>A, p.Glu311= (NM_001164758.2, NM_001164759.1, NM_001164761.2 and 2 more transcripts).
Identifiers: ClinVar variation 791569 (VCV000791569.13), dbSNP rs147220037, ClinGen allele CA4109884.